The following is an entry in ClinVar:

NM_022835.3(PLEKHG2):c.2683C>T (p.Pro895Ser)

Gene: PLEKHG2 (pleckstrin homology and RhoGEF domain containing G2; plus strand). Cytogenetic location: 19q13.2.
Variant type: single nucleotide variant.
Coding change: c.2683C>T on transcript NM_022835.3 (MANE Select); coding-DNA position 2683, C replaced by T.
Protein change: p.Pro895Ser; replaces proline 895 with serine.
Molecular consequence: missense variant. On other transcripts: intron variant (1).
Genome position (GRCh38, 1-based): chr19:39,423,816, C>T. VCF-style: chr19-39423816-C-T. GRCh37 (hg19) VCF-style: chr19-39914456-C-T.
Other names: c.2506C>T, p.Pro836Ser (NM_001351693.2); c.1678-1422C>T (NM_001351694.2); short protein forms P836S, P895S.
Identifiers: ClinVar variation 708352 (VCV000708352.17), dbSNP rs200143824, ClinGen allele CA9429846.

ClinVar aggregate classification (germline): Conflicting classifications of pathogenicity. Review status: criteria provided, conflicting classifications (1 of 4 stars). 4 submissions from 4 submitters: Uncertain significance (1); Likely benign (2). 1 of the submissions does not count toward it. Last evaluated 2026-02-01.

Conditions:
PLEKHG2-related disorder. Also called: PLEKHG2-related condition.

Allele frequency attached by ClinVar (database versions not stated): gnomAD 0.00001 and 0.00034; TOPMed 0.00008; gnomAD exomes 0.00107; ExAC 0.00124; 1000 Genomes Project 30x 0.00187; 1000 Genomes Project 0.00220.

Submissions (4):

CeGaT Center for Human Genetics Tuebingen
Classification: Likely benign. Last evaluated: 2026-02-01. Review status: criteria provided, single submitter. Criteria: CeGaT Center For Human Genetics Tuebingen Variant Classification Criteria Version 2. Collection method: clinical testing. Allele origin: germline. Affected: yes. Observed: 1 variant allele.
Comment: PLEKHG2: BS2

Labcorp Genetics (formerly Invitae), Labcorp
Classification: Likely benign. Last evaluated: 2026-01-26. Review status: criteria provided, single submitter. Criteria: Invitae Variant Classification Sherloc (09022015). Collection method: clinical testing. Allele origin: germline.

Ambry Genetics
Classification: Uncertain significance. Last evaluated: 2025-12-17. Review status: criteria provided, single submitter. Criteria: Ambry Variant Classification Scheme 2023. Collection method: clinical testing. Allele origin: germline.

PreventionGenetics, part of Exact Sciences
Classification: Likely benign for PLEKHG2-related condition. Last evaluated: 2024-06-16. Review status: no assertion criteria provided. Collection method: clinical testing. Allele origin: germline. Not counted in ClinVar's aggregate classification.
Comment: This variant is classified as likely benign based on ACMG/AMP sequence variant interpretation guidelines (Richards et al. 2015 PMID: 25741868, with internal and published modifications).